The following is an entry in ClinVar:

NM_001378454.1(ALMS1):c.7339T>C (p.Phe2447Leu)

Gene: ALMS1 (ALMS1 centrosome and basal body associated protein; plus strand). Cytogenetic location: 2p13.1.
Variant type: single nucleotide variant.
Coding change: c.7339T>C on transcript NM_001378454.1 (MANE Select); coding-DNA position 7339, T replaced by C.
Protein change: p.Phe2447Leu; replaces phenylalanine 2447 with leucine.
Molecular consequence: missense variant.
Genome position (GRCh38, 1-based): chr2:73,453,866, T>C. VCF-style: chr2-73453866-T-C. GRCh37 (hg19) VCF-style: chr2-73680993-T-C.
Other names: c.7342T>C, p.Phe2448Leu (NM_015120.4); short protein forms F2447L, F2448L.
Identifiers: ClinVar variation 4058313 (VCV004058313.2).

ClinVar aggregate classification (germline): Uncertain significance. Review status: criteria provided, single submitter (1 of 4 stars). 2 submissions from 2 submitters: Uncertain significance (1). 1 of the submissions does not count toward it. Last evaluated 2026-03-18.

Conditions:
ALMS1-related disorder. Also called: ALMS1-related condition.
Alstrom syndrome (ALMS). Identifiers: Orphanet 64, MedGen C0268425, MONDO:0008763, OMIM 203800.

gnomAD v4.1: 3 of 1,614,148 alleles (0.00019%); highest among the groups gnomAD compares: African/African-American, 0.0013%; no homozygotes.

Submissions (2):

PreventionGenetics, part of Exact Sciences
Classification: Uncertain significance for ALMS1-related condition. Last evaluated: 2026-03-18. Review status: criteria provided, single submitter. Criteria: ACMG Guidelines, 2015. Collection method: clinical testing. Allele origin: germline.
Comment: The ALMS1 c.7342T>C variant is predicted to result in the amino acid substitution p.Tyr2448His. To our knowledge, this variant has not been reported in the literature. This variant is reported in 0.011% of alleles in individuals of East Asian descent in gnomAD. At this time, the clinical significance of this variant is uncertain due to the absence of conclusive functional and genetic evidence.

Natera, Inc.
Classification: Uncertain significance for Alstrom syndrome. Last evaluated: 2025-04-11. Review status: no assertion criteria provided. Collection method: clinical testing. Allele origin: germline. Not counted in ClinVar's aggregate classification.